The following is an entry in ClinVar:

ClinVar aggregate classification (germline): Uncertain significance (1 of 4 stars; one submission).

Submission:

GeneDx
Classification: Uncertain significance. Last evaluated: 2025-07-28. Review status: criteria provided, single submitter. Criteria: GeneDx Variant Classification Process June 2021. Collection method: clinical testing. Allele origin: germline. Affected: yes.
Comment: Not observed at significant frequency in large population cohorts (gnomAD); In silico analysis supports that this missense variant has a deleterious effect on protein structure/function; Has not been previously published as pathogenic or benign to our knowledge

NM_014515.7(CNOT2):c.1015C>T (p.Pro339Ser)

Gene: CNOT2 (CCR4-NOT transcription complex subunit 2; plus strand). Cytogenetic location: 12q15.
Variant type: single nucleotide variant.
Coding change: c.1015C>T on transcript NM_014515.7 (MANE Select); coding-DNA position 1015, C replaced by T.
Protein change: p.Pro339Ser; replaces proline 339 with serine.
Molecular consequence: missense variant. On other transcripts: non-coding transcript variant (1).
Genome position (GRCh38, 1-based): chr12:70,338,557, C>T. VCF-style: chr12-70338557-C-T. GRCh37 (hg19) VCF-style: chr12-70732337-C-T.
Other names: c.1015C>T, p.Pro339Ser (NM_001199302.2, NM_001199303.2, NM_001414651.1 and 1 more transcripts); c.988C>T, p.Pro330Ser (NM_001414653.1, NM_001414654.1, NM_001414655.1); c.973C>T, p.Pro325Ser (NM_001414656.1); c.955C>T, p.Pro319Ser (NM_001414657.1, NM_001414658.1, NM_001414659.1 and 1 more transcripts); c.892C>T, p.Pro298Ser (NM_001414661.1); c.832C>T, p.Pro278Ser (NM_001414662.1); short protein forms P278S, P298S, P319S, P325S, P330S, P339S.
Identifiers: ClinVar variation 4689908 (VCV004689908.1).